The following is an entry in ClinVar:

NM_000051.4(ATM):c.8777T>C (p.Val2926Ala)

Genes: ATM (ATM serine/threonine kinase; plus strand), C11orf65 (chromosome 11 open reading frame 65; minus strand). Cytogenetic location: 11q22.3.
Variant type: single nucleotide variant.
Coding change: c.8777T>C on transcript NM_000051.4 (MANE Select); coding-DNA position 8777, T replaced by C.
Protein change: p.Val2926Ala; replaces valine 2926 with alanine.
Molecular consequence: missense variant. On other transcripts: intron variant (2).
Genome position (GRCh38, 1-based): chr11:108,353,871, T>C. VCF-style: chr11-108353871-T-C. GRCh37 (hg19) VCF-style: chr11-108224598-T-C.
Other names: c.8777T>C, p.Val2926Ala (NM_001351834.2); c.640+32049A>G (NM_001330368.2); c.695-18579A>G (NM_001351110.2); short protein forms V2926A.
Identifiers: ClinVar variation 1714165 (VCV001714165.6), dbSNP rs773329421, ClinGen allele CA6266438.

ClinVar aggregate classification (germline): Uncertain significance (1 of 4 stars; one submission).

Conditions:
Ataxia-telangiectasia syndrome (AT). Also called: Ataxia telangiectasia (A-T); LOUIS-BAR SYNDROME; Cerebello-oculocutaneous telangiectasia; Immunodeficiency with ataxia telangiectasia; Ataxia-telangiectasia, complementation group D; AT, COMPLEMENTATION GROUP C. Identifiers: Orphanet 100, MedGen C0004135, MONDO:0008840, OMIM 208900.

Allele frequency attached by ClinVar (database versions not stated): gnomAD exomes below 0.00001; ExAC 0.00001.
gnomAD v4.1: 1 of 1,612,162 alleles (0.000062%); highest among the groups gnomAD compares: South Asian, 0.0011%; no homozygotes.

Submission:

Labcorp Genetics (formerly Invitae), Labcorp
Classification: Uncertain significance for Ataxia-telangiectasia syndrome. Last evaluated: 2025-08-18. Review status: criteria provided, single submitter. Criteria: Invitae Variant Classification Sherloc (09022015). Collection method: clinical testing. Allele origin: germline.
Comment: This sequence change replaces valine, which is neutral and non-polar, with alanine, which is neutral and non-polar, at codon 2926 of the ATM protein (p.Val2926Ala). This variant is present in population databases (rs773329421, gnomAD 0.003%). This variant has not been reported in the literature in individuals affected with ATM-related conditions. ClinVar contains an entry for this variant (Variation ID: 1714165). Invitae Evidence Modeling of protein sequence and biophysical properties (such as structural, functional, and spatial information, amino acid conservation, physicochemical variation, residue mobility, and thermodynamic stability) has been performed for this missense variant. However, the output from this modeling did not meet the statistical confidence thresholds required to predict the impact of this variant on ATM protein function. In summary, the available evidence is currently insufficient to determine the role of this variant in disease. Therefore, it has been classified as a Variant of Uncertain Significance.